The following is an entry in ClinVar:

NM_014252.4(SLC25A15):c.67T>C (p.Cys23Arg)

Gene: SLC25A15 (solute carrier family 25 member 15; plus strand). Cytogenetic location: 13q14.11.
Variant type: single nucleotide variant.
Coding change: c.67T>C on transcript NM_014252.4 (MANE Select); coding-DNA position 67, T replaced by C.
Protein change: p.Cys23Arg; replaces cysteine 23 with arginine.
Molecular consequence: missense variant. On other transcripts: non-coding transcript variant (2).
Genome position (GRCh38, 1-based): chr13:40,799,068, T>C. VCF-style: chr13-40799068-T-C. GRCh37 (hg19) VCF-style: chr13-41373204-T-C.
Other names: short protein forms C23R.
Identifiers: ClinVar variation 3342476 (VCV003342476.2).

ClinVar aggregate classification (germline): Uncertain significance (1 of 4 stars; one submission).

Submission:

GeneDx
Classification: Uncertain significance. Last evaluated: 2025-12-01. Review status: criteria provided, single submitter. Criteria: GeneDx Variant Classification Process June 2021. Collection method: clinical testing. Allele origin: germline.
Comment: Not observed at significant frequency in large population cohorts (gnomAD); In silico analysis supports that this missense variant has a deleterious effect on protein structure/function; Missense variants in this gene are a common cause of disease and they are underrepresented in the general population; Has not been previously published as pathogenic or benign to our knowledge